The following is an entry in ClinVar:

NM_205768.3(ZBTB18):c.339C>T (p.Leu113=)

Gene: ZBTB18 (zinc finger and BTB domain containing 18; plus strand). Cytogenetic location: 1q44.
Variant type: single nucleotide variant.
Coding change: c.339C>T on transcript NM_205768.3 (MANE Select); coding-DNA position 339, C replaced by T.
Protein change: p.Leu113=; no amino-acid change (leucine 113 retained).
Molecular consequence: synonymous variant.
Genome position (GRCh38, 1-based): chr1:244,054,113, C>T. VCF-style: chr1-244054113-C-T. GRCh37 (hg19) VCF-style: chr1-244217415-C-T.
Other names: c.312C>T, p.Leu104= (NM_001278196.2, NM_006352.5).
Identifiers: ClinVar variation 788722 (VCV000788722.34), dbSNP rs151264221, ClinGen allele CA1484288.

ClinVar aggregate classification (germline): Benign/Likely benign. Review status: criteria provided, multiple submitters, no conflicts (2 of 4 stars). 4 submissions from 4 submitters: Benign (2); Likely benign (2). Last evaluated 2026-06-01.

Allele frequency attached by ClinVar (database versions not stated): 1000 Genomes Project 30x 0.00172; 1000 Genomes Project 0.00180; ExAC 0.00233; gnomAD exomes 0.00253 and 0.00374; gnomAD 0.00322 and 0.00330; ESP Exome Variant Server 0.00331; TOPMed 0.00361.

Submissions (4):

CeGaT Center for Human Genetics Tuebingen
Classification: Likely benign. Last evaluated: 2026-06-01. Review status: criteria provided, single submitter. Criteria: CeGaT Center For Human Genetics Tuebingen Variant Classification Criteria Version 2. Collection method: clinical testing. Allele origin: germline. Affected: yes. Observed: 30 variant alleles.
Comment: ZBTB18: BP4, BP7, BS2

Labcorp Genetics (formerly Invitae), Labcorp
Classification: Benign. Last evaluated: 2026-01-28. Review status: criteria provided, single submitter. Criteria: Invitae Variant Classification Sherloc (09022015). Collection method: clinical testing. Allele origin: germline.

Blueprint Genetics
Classification: Likely benign. Last evaluated: 2024-11-19. Review status: criteria provided, single submitter. Criteria: ACMG Guidelines, 2015. Collection method: clinical testing. Allele origin: germline.

Breakthrough Genomics
Classification: Benign. Review status: criteria provided, single submitter. Criteria: ACMG Guidelines, 2015. Collection method: not provided. Allele origin: germline. Inheritance: Autosomal dominant inheritance. Affected: yes.